The following is an entry in ClinVar:

ClinVar aggregate classification (germline): Uncertain significance. Review status: criteria provided, single submitter (1 of 4 stars). 2 submissions from 2 submitters: Uncertain significance (1). 1 of the submissions does not count toward it. Last evaluated 2024-12-18.

Conditions:
MYO5B-related disorder. Also called: MYO5B-related condition.

Allele frequency attached by ClinVar (database versions not stated): ExAC 0.00016; gnomAD exomes 0.00016 and 0.00005; 1000 Genomes Project 30x 0.00031; ESP Exome Variant Server 0.00032; 1000 Genomes Project 0.00040; gnomAD 0.00056 and 0.00060; TOPMed 0.00056.
gnomAD v4.1: 156 of 1,614,004 alleles (0.0097%); highest among the groups gnomAD compares: African/African-American, 0.19%; no homozygotes.

Submissions (2):

Labcorp Genetics (formerly Invitae), Labcorp
Classification: Uncertain significance. Last evaluated: 2024-12-18. Review status: criteria provided, single submitter. Criteria: Invitae Variant Classification Sherloc (09022015). Collection method: clinical testing. Allele origin: germline.
Comment: This sequence change replaces aspartic acid, which is acidic and polar, with glutamic acid, which is acidic and polar, at codon 530 of the MYO5B protein (p.Asp530Glu). This variant is present in population databases (rs200469007, gnomAD 0.2%). This variant has not been reported in the literature in individuals affected with MYO5B-related conditions. ClinVar contains an entry for this variant (Variation ID: 1054593). Invitae Evidence Modeling of protein sequence and biophysical properties (such as structural, functional, and spatial information, amino acid conservation, physicochemical variation, residue mobility, and thermodynamic stability) indicates that this missense variant is not expected to disrupt MYO5B protein function with a negative predictive value of 80%. In summary, the available evidence is currently insufficient to determine the role of this variant in disease. Therefore, it has been classified as a Variant of Uncertain Significance.

PreventionGenetics, part of Exact Sciences
Classification: Likely benign for MYO5B-related condition. Last evaluated: 2022-04-26. Review status: no assertion criteria provided. Collection method: clinical testing. Allele origin: germline. Not counted in ClinVar's aggregate classification.
Comment: This variant is classified as likely benign based on ACMG/AMP sequence variant interpretation guidelines (Richards et al. 2015 PMID: 25741868, with internal and published modifications).

NM_001080467.3(MYO5B):c.1590C>G (p.Asp530Glu)

Gene: MYO5B (myosin VB; minus strand). Cytogenetic location: 18q21.1.
Variant type: single nucleotide variant.
Coding change: c.1590C>G on transcript NM_001080467.3 (MANE Select); coding-DNA position 1590, C replaced by G.
Protein change: p.Asp530Glu; replaces aspartic acid 530 with glutamic acid.
Molecular consequence: missense variant.
Genome position (GRCh38, 1-based): chr18:49,954,391, G>C on the plus strand (C>G on the coding strand, the complement: MYO5B is on the minus strand). VCF-style: chr18-49954391-G-C. GRCh37 (hg19) VCF-style: chr18-47480761-G-C.
Other names: c.1590C>G (NM_001080467.2); short protein forms D530E.
Identifiers: ClinVar variation 1054593 (VCV001054593.9), dbSNP rs200469007, ClinGen allele CA8961462.